The following is an entry in ClinVar:

ClinVar aggregate classification (germline): Uncertain significance (1 of 4 stars; one submission).

Conditions:
Muscular dystrophy-dystroglycanopathy type B6 (MDDGB6). Also called: MUSCULAR DYSTROPHY-DYSTROGLYCANOPATHY (CONGENITAL WITH IMPAIRED INTELLECTUAL DEVELOPMENT), TYPE B, 6; MUSCULAR DYSTROPHY, CONGENITAL, LARGE-RELATED; MUSCULAR DYSTROPHY, CONGENITAL, TYPE 1D. Identifiers: MedGen C1837229, MONDO:0012138, OMIM 608840.

Allele frequency attached by ClinVar (database versions not stated): gnomAD exomes 0.00001.
gnomAD v4.1: 4 of 1,614,200 alleles (0.00025%); highest among the groups gnomAD compares: Middle Eastern, 0.016%; no homozygotes.

Submission:

Labcorp Genetics (formerly Invitae), Labcorp
Classification: Uncertain significance for Muscular dystrophy-dystroglycanopathy type B6. Last evaluated: 2022-01-18. Review status: criteria provided, single submitter. Criteria: Invitae Variant Classification Sherloc (09022015). Collection method: clinical testing. Allele origin: germline.
Comment: This sequence change replaces alanine, which is neutral and non-polar, with valine, which is neutral and non-polar, at codon 591 of the LARGE1 protein (p.Ala591Val). This variant is not present in population databases (gnomAD no frequency). This variant has not been reported in the literature in individuals affected with LARGE1-related conditions. Algorithms developed to predict the effect of missense changes on protein structure and function output the following: SIFT: "Tolerated"; PolyPhen-2: "Possibly Damaging"; Align-GVGD: "Class C0". The valine amino acid residue is found in multiple mammalian species, which suggests that this missense change does not adversely affect protein function. Algorithms developed to predict the effect of sequence changes on RNA splicing suggest that this variant may create or strengthen a splice site. In summary, the available evidence is currently insufficient to determine the role of this variant in disease. Therefore, it has been classified as a Variant of Uncertain Significance.

NM_133642.5(LARGE1):c.1772C>T (p.Ala591Val)

Gene: LARGE1 (LARGE xylosyl- and glucuronyltransferase 1; minus strand). Cytogenetic location: 22q12.3.
Variant type: single nucleotide variant.
Coding change: c.1772C>T on transcript NM_133642.5 (MANE Select); coding-DNA position 1772, C replaced by T.
Protein change: p.Ala591Val; replaces alanine 591 with valine.
Molecular consequence: missense variant. On other transcripts: intron variant (3).
Genome position (GRCh38, 1-based): chr22:33,283,307, G>A on the plus strand (C>T on the coding strand, the complement: LARGE1 is on the minus strand). VCF-style: chr22-33283307-G-A. GRCh37 (hg19) VCF-style: chr22-33679293-G-A.
Other names: c.1772C>T, p.Ala591Val (NM_001362949.2, NM_001362951.2, NM_001362953.2 and 4 more transcripts); c.1616C>T, p.Ala539Val (NM_001378629.1); c.1169C>T, p.Ala390Val (NM_001378630.1); c.1731-6052C>T (NM_001378627.1, NM_001378628.1); c.972-6052C>T (NM_001378631.1); short protein forms A390V, A591V, A539V.
Identifiers: ClinVar variation 2179426 (VCV002179426.1), dbSNP rs2546576540, ClinGen allele CA411543461.